The following is an entry in ClinVar:

NM_021828.5(HPSE2):c.1424G>C (p.Arg475Pro)

Gene: HPSE2 (heparanase 2 (inactive); minus strand). Cytogenetic location: 10q24.2.
Variant type: single nucleotide variant.
Coding change: c.1424G>C on transcript NM_021828.5 (MANE Select); coding-DNA position 1424, G replaced by C.
Protein change: p.Arg475Pro; replaces arginine 475 with proline.
Molecular consequence: missense variant.
Genome position (GRCh38, 1-based): chr10:98,490,093, C>G on the plus strand (G>C on the coding strand, the complement: HPSE2 is on the minus strand). VCF-style: chr10-98490093-C-G. GRCh37 (hg19) VCF-style: chr10-100249850-C-G.
Other names: c.1250G>C, p.Arg417Pro (NM_001166244.1); c.1088G>C, p.Arg363Pro (NM_001166245.1); c.1424G>C, p.Arg475Pro (NM_001166246.1); short protein forms R475P, R363P, R417P.
Identifiers: ClinVar variation 2003880 (VCV002003880.4), dbSNP rs368857672, ClinGen allele CA5639705.

ClinVar aggregate classification (germline): Uncertain significance (1 of 4 stars; one submission).

gnomAD v4.1: 2 of 1,614,170 alleles (0.00012%); highest among the groups gnomAD compares: Non-Finnish European, 0.000085%; no homozygotes.

Submission:

Labcorp Genetics (formerly Invitae), Labcorp
Classification: Uncertain significance. Last evaluated: 2022-06-09. Review status: criteria provided, single submitter. Criteria: Invitae Variant Classification Sherloc (09022015). Collection method: clinical testing. Allele origin: germline.
Comment: In summary, the available evidence is currently insufficient to determine the role of this variant in disease. Therefore, it has been classified as a Variant of Uncertain Significance. Algorithms developed to predict the effect of missense changes on protein structure and function (SIFT, PolyPhen-2, Align-GVGD) all suggest that this variant is likely to be disruptive. This variant has not been reported in the literature in individuals affected with HPSE2-related conditions. This variant is present in population databases (rs368857672, gnomAD 0.002%). This sequence change replaces arginine, which is basic and polar, with proline, which is neutral and non-polar, at codon 475 of the HPSE2 protein (p.Arg475Pro).